The following is an entry in ClinVar:

ClinVar aggregate classification (germline): Uncertain significance. Review status: criteria provided, multiple submitters, no conflicts (2 of 4 stars). 2 submissions from 2 submitters: Uncertain significance (2). Last evaluated 2024-09-24.

Conditions:
Hereditary cancer-predisposing syndrome. Also called: Neoplastic Syndromes, Hereditary; Tumor predisposition; Hereditary neoplastic syndrome; Hereditary Cancer Syndrome. Identifiers: Orphanet 140162, MedGen C0027672, MeSH D009386, MONDO:0015356.
Oligodontia-cancer predisposition syndrome. Also called: TOOTH AGENESIS-COLORECTAL CANCER SYNDROME. Identifiers: Orphanet 300576, MedGen C1837750, MONDO:0012075, OMIM 608615. Disease mechanism: loss of function.

Submissions (2):

Ambry Genetics
Classification: Uncertain significance for Hereditary cancer-predisposing syndrome. Last evaluated: 2024-09-24. Review status: criteria provided, single submitter. Criteria: Ambry Variant Classification Scheme 2023. Collection method: clinical testing. Allele origin: germline.
Comment: The p.P25L variant (also known as c.74C>T), located in coding exon 1 of the AXIN2 gene, results from a C to T substitution at nucleotide position 74. The proline at codon 25 is replaced by leucine, an amino acid with similar properties. This amino acid position is conserved. In addition, the in silico prediction for this alteration is inconclusive. Based on the available evidence, the clinical significance of this variant remains unclear.

Labcorp Genetics (formerly Invitae), Labcorp
Classification: Uncertain significance for Oligodontia-cancer predisposition syndrome. Last evaluated: 2021-02-14. Review status: criteria provided, single submitter. Criteria: Invitae Variant Classification Sherloc (09022015). Collection method: clinical testing. Allele origin: germline.
Comment: In summary, the available evidence is currently insufficient to determine the role of this variant in disease. Therefore, it has been classified as a Variant of Uncertain Significance. Algorithms developed to predict the effect of missense changes on protein structure and function (SIFT, PolyPhen-2, Align-GVGD) all suggest that this variant is likely to be disruptive, but these predictions have not been confirmed by published functional studies and their clinical significance is uncertain. This variant has not been reported in the literature in individuals with AXIN2-related conditions. This variant is not present in population databases (ExAC no frequency). This sequence change replaces proline with leucine at codon 25 of the AXIN2 protein (p.Pro25Leu). The proline residue is highly conserved and there is a moderate physicochemical difference between proline and leucine.

NM_004655.4(AXIN2):c.74C>T (p.Pro25Leu)

Gene: AXIN2 (axin 2; minus strand). Cytogenetic location: 17q24.1.
Variant type: single nucleotide variant.
Coding change: c.74C>T on transcript NM_004655.4 (MANE Select); coding-DNA position 74, C replaced by T.
Protein change: p.Pro25Leu; replaces proline 25 with leucine.
Molecular consequence: missense variant.
Genome position (GRCh38, 1-based): chr17:65,558,547, G>A on the plus strand (C>T on the coding strand, the complement: AXIN2 is on the minus strand). VCF-style: chr17-65558547-G-A. GRCh37 (hg19) VCF-style: chr17-63554665-G-A.
Other names: c.74C>T (NM_004655.3); c.74C>T, p.Pro25Leu (NM_001363813.1); short protein forms P25L.
Identifiers: ClinVar variation 1372307 (VCV001372307.9), dbSNP rs2144591510, ClinGen allele CA400682275.